The following is an entry in ClinVar:

NM_001127208.3(TET2):c.1729T>C (p.Ser577Pro)

Genes: TET2 (tet methylcytosine dioxygenase 2; plus strand), TET2-AS1 (TET2 antisense RNA 1; minus strand). Cytogenetic location: 4q24.
Variant type: single nucleotide variant.
Coding change: c.1729T>C on transcript NM_001127208.3 (MANE Select); coding-DNA position 1729, T replaced by C.
Protein change: p.Ser577Pro; replaces serine 577 with proline.
Molecular consequence: missense variant.
Genome position (GRCh38, 1-based): chr4:105,235,671, T>C. VCF-style: chr4-105235671-T-C. GRCh37 (hg19) VCF-style: chr4-106156828-T-C.
Other names: c.1729T>C, p.Ser577Pro (NM_017628.4); short protein forms S577P.
Identifiers: ClinVar variation 3805926 (VCV003805926.1).

ClinVar aggregate classification (germline): Uncertain significance (1 of 4 stars; one submission).

Submission:

Ambry Genetics
Classification: Uncertain significance. Last evaluated: 2025-01-05. Review status: criteria provided, single submitter. Criteria: Ambry Variant Classification Scheme 2023. Collection method: clinical testing. Allele origin: germline.
Comment: The p.S577P variant (also known as c.1729T>C), located in coding exon 1 of the TET2 gene, results from a T to C substitution at nucleotide position 1729. The serine at codon 577 is replaced by proline, an amino acid with similar properties. This amino acid position is conserved. In addition, this alteration is predicted to be tolerated by in silico analysis. Based on the available evidence, the clinical significance of this variant remains unclear.